The following is an entry in ClinVar:

ClinVar aggregate classification (germline): Pathogenic/Likely pathogenic. Review status: criteria provided, multiple submitters, no conflicts (2 of 4 stars). 9 submissions from 9 submitters: Pathogenic (3); Likely pathogenic (4). 2 of the submissions do not count toward it. Last evaluated 2026-09-16.

Conditions:
TTN-related disorder. Also called: TTN-related disorders; TTN-related condition; TTN-related disease.
Cardiovascular phenotype. Identifiers: MedGen CN230736.
Autosomal recessive limb-girdle muscular dystrophy type 2J (LGMDR10). Also called: Limb-girdle muscular dystrophy, type 2J; MUSCULAR DYSTROPHY, LIMB-GIRDLE, AUTOSOMAL RECESSIVE 10. Identifiers: Orphanet 140922, MedGen C1837342, MONDO:0012127, OMIM 608807.
Dilated cardiomyopathy 1G (CMD1G). Identifiers: Orphanet 154, MedGen C1858763, MONDO:0011400, OMIM 604145.

Allele frequency attached by ClinVar (database versions not stated): gnomAD exomes below 0.00001; TOPMed below 0.00001.

Submissions (9):

GeneDx
Classification: Pathogenic. Last evaluated: 2026-09-16. Review status: criteria provided, single submitter. Criteria: GeneDx Variant Classification Process June 2021. Collection method: clinical testing. Allele origin: germline.
Comment: Frameshift variant predicted to result in protein truncation or nonsense mediated decay in a gene for which loss of function is a known mechanism of disease; Not observed at significant frequency in large population cohorts (gnomAD); Located in the A-band, a region of TTN for which truncating variants are significantly associated with autosomal dominant cardiomyopathy and also with autosomal recessive skeletal myopathies (PMID: 22335739, 32778822); This variant is associated with the following publications: (PMID: 33106378, 30847666, 40155426, 22335739, 32778822)

Labcorp Genetics (formerly Invitae), Labcorp
Classification: Likely pathogenic for Dilated cardiomyopathy 1G; Autosomal recessive limb-girdle muscular dystrophy type 2J. Last evaluated: 2025-08-18. Review status: criteria provided, single submitter. Criteria: Invitae Variant Classification Sherloc (09022015). Collection method: clinical testing. Allele origin: germline.
Comment: This sequence change creates a premature translational stop signal (p.Pro19784Argfs*5) in the TTN gene. While this is not anticipated to result in nonsense mediated decay, it is expected to create a truncated TTN protein. This variant is present in population databases (no rsID available, gnomAD 0.0009%). This premature translational stop signal has been observed in individual(s) with cardiomyopathy and/or peripartum cardiomyopathy (PMID: 30847666, 33106378; internal data). This variant is also known as c.51647_51648delCT p.(Pro17216Argfs*5). ClinVar contains an entry for this variant (Variation ID: 264060). This variant is located in the A band of TTN (PMID: 25589632). Truncating variants in this region are significantly overrepresented in patients affected with dilated cardiomyopathy (PMID: 25589632). Truncating variants in this region have also been reported in individuals affected with autosomal recessive centronuclear myopathy (PMID: 23975875). In summary, the currently available evidence indicates that the variant is pathogenic, but additional data are needed to prove that conclusively. Therefore, this variant has been classified as Likely Pathogenic.

Ambry Genetics
Classification: Pathogenic for Cardiovascular phenotype. Last evaluated: 2025-05-10. Review status: criteria provided, single submitter. Criteria: Ambry Variant Classification Scheme 2023. Collection method: clinical testing. Allele origin: germline.
Comment: The c.32156_32157delCT pathogenic mutation, located in coding exon 128 of the TTN gene, results from a deletion of two nucleotides at nucleotide positions 32156 to 32157, causing a translational frameshift with a predicted alternate stop codon (p.P10719Rfs*5). This exon is located in the A-band region of the N2-B isoform of the titin protein and is constitutively expressed in TTN transcripts (percent spliced in or PSI 100%). This variant (also referred to as c.51647_51648del, p.P17216Rfs*5) was reported in individual(s) with features consistent with dilated cardiomyopathy (van Lint FHM et al. Neth Heart J . 2019 Jun;27(6):304-309; Ambry internal data). This variant is expected to result in loss of function by premature protein truncation or nonsense-mediated mRNA decay. While truncating variants in TTN are present in 1-3% of the general population, truncating variants in the A-band are the most common cause of dilated cardiomyopathy (Herman DS et al. N. Engl. J. Med., 2012 Feb;366:619-28; Roberts AM et al. Sci Transl Med, 2015 Jan;7:270ra6). TTN truncating variants encoded in constitutive exons (PSI >90%) have been found to be significantly associated with DCM regardless of their position in titin (Schafer S et al. Nat. Genet., 2017 01;49:46-53; Akhtar MM et al. Circ Heart Fail, 2020 Oct;13:e006832; Massier M et al. Clin Genet, 2025 Jan). Based on the supporting evidence, this variant is interpreted as a disease-causing mutation.

PreventionGenetics, part of Exact Sciences
Classification: Likely pathogenic for TTN-related condition. Last evaluated: 2024-10-18. Review status: criteria provided, single submitter. Criteria: ACMG Guidelines, 2015. Collection method: clinical testing. Allele origin: germline.
Comment: The TTN c.59351_59352delCT variant is predicted to result in a frameshift and premature protein termination (p.Pro19784Argfs*5). This variant, also known as c.51647_51648del (p.(Pro17216Argfs*5)), has been reported in individuals with dilated cardiomyopathy (Supplementary file 2, van Lint et al. 2019. PubMed ID: 30847666; Vissing et al. 2020. PubMed ID: 33106378). This variant is located in the A-band region of the protein in which truncating TTN variants have been found more frequently in dilated cardiomyopathy patients than in controls (Herman et al. 2012. PubMed ID: 22335739). RNAseq studies from heart tissue indicate the exon including the c.59351_59352delCT variant is commonly included in TTN mRNA transcripts (PSI of 98%-100%, Roberts et al. 2015. PubMed ID: 25589632). This variant is reported in 0.00090% of alleles in individuals of European (Non-Finnish) descent in gnomAD. TTN truncating variants are reported in 1-2% of presumably healthy individuals but occur more frequently in exons with low PSI values, indicating the c.59351_59352delCT variant is more likely to be disease causing for TTN cardiac-related disorders (Roberts et al. 2015. PubMed ID: 25589632; Herman et al. 2012. PubMed ID: 22335739). Many cases of recessive TTN-related myopathies in which the individual is compound heterozygous for two loss of function variants in TTN have also been reported (Ceyhan-Birsoy et al. 2013. PubMed ID: 23975875; Chauveau et al. 2014. PubMed ID: 24105469; Evilä et al. 2016. PubMed ID: 27796757; Ge et al. 2019. PubMed ID: 31053406; Oates et al. 2018. PubMed ID: 29691892; Supplementary table 1, Bryen et al. 2020. PubMed ID: 31660661). In summary, the c.59351_59352delCT variant is categorized as likely pathogenic. Of note, this variant is considered likely pathogenic for increased risk of TTN-related cardiac disorders, and also for autosomal recessive severe congenital titinopathies when in the presence of an additional loss-of-function TTN variant.

CeGaT Center for Human Genetics Tuebingen
Classification: Likely pathogenic. Last evaluated: 2024-08-01. Review status: criteria provided, single submitter. Criteria: CeGaT Center For Human Genetics Tuebingen Variant Classification Criteria Version 2. Collection method: clinical testing. Allele origin: germline. Affected: yes. Observed: 2 variant alleles.
Comment: TTN: PVS1:Strong, PM2:Supporting, PS4:Supporting

Institute of Immunology and Genetics Kaiserslautern
Classification: Pathogenic for Dilated cardiomyopathy 1G. Last evaluated: 2022-08-04. Review status: criteria provided, single submitter. Criteria: ACMG Guidelines, 2015. Collection method: clinical testing. Allele origin: germline.
Comment: ACMG Criteria: PVS1, PM2, PP5; Variant was found in heterozygous state.

Eurofins Ntd Llc (ga)
Classification: Likely pathogenic. Last evaluated: 2018-07-12. Review status: criteria provided, single submitter. Criteria: EGL ClinVar v180209 classification definitions. Collection method: clinical testing. Allele origin: germline. Observed: 1 variant allele, 1 heterozygote.

Clinical Genetics, Academic Medical Center
Classification: Likely pathogenic. Review status: no assertion criteria provided. Collection method: clinical testing. Allele origin: germline. Affected: yes. Study: VKGL Data-share Consensus. Not counted in ClinVar's aggregate classification.

Diagnostic Laboratory, Department of Genetics, University Medical Center Groningen
Classification: Likely pathogenic. Review status: no assertion criteria provided. Collection method: clinical testing. Allele origin: germline. Affected: yes. Study: VKGL Data-share Consensus. Not counted in ClinVar's aggregate classification.

Literature cited by the submitters: PubMed 30847666 (cited by Labcorp Genetics (formerly Invitae), Labcorp and Ambry Genetics); PubMed 33106378 (cited by Labcorp Genetics (formerly Invitae), Labcorp); PubMed 25589632 (cited by Labcorp Genetics (formerly Invitae), Labcorp); PubMed 23975875 (cited by Labcorp Genetics (formerly Invitae), Labcorp).

NM_001267550.2(TTN):c.59351_59352del (p.Pro19784fs)

Genes: TTN (titin; minus strand), TTN-AS1 (TTN antisense RNA 1; plus strand), LOC126806424 (CDK7 strongly-dependent group 2 enhancer GRCh37_chr2:179456337-179457536; plus strand). Cytogenetic location: 2q31.2.
Variant type: Deletion.
Coding change: c.59351_59352del on transcript NM_001267550.2 (MANE Select); coding-DNA positions 59351 to 59352, 2 bases deleted (CT; older notation c.59351_59352delCT).
Protein change: p.Pro19784fs; shifts the reading frame from proline 19784.
Molecular consequence: frameshift variant.
Genome position (GRCh38, 1-based): chr2:178,592,653-178,592,654, AG deleted on the plus strand (CT on the coding strand, the reverse complement: TTN is on the minus strand). VCF-style (leftmost placement, unchanged base first): chr2-178592652-CAG-C. GRCh37 (hg19) VCF-style: chr2-179457379-CAG-C.
Other names: c.59351_59352delCT (NM_001267550.2); c.54428_54429del, p.Pro18143fs (NM_001256850.1); c.32156_32157delCT (NM_003319.4); c.32156_32157del, p.Pro10719fs (NM_003319.4); c.51647_51648del, p.Pro17216fs (NM_133378.4); c.32531_32532del, p.Pro10844fs (NM_133432.3); c.32732_32733del, p.Pro10911fs (NM_133437.4); c.59351_59352del (NM_001267550.1); short protein forms P10719fs, P10844fs, P18143fs, P17216fs, P19784fs, P10911fs.
Identifiers: ClinVar variation 264060 (VCV000264060.57), dbSNP rs886039027, ClinGen allele CA10587492.
Genomic context (GRCh38, chr2:178,592,652, plus strand): 5'-TTAGAGTATCACCAACTTTAATGTGTTGTTCTCTTGCCATGTTGGCATCAAGAATCAACT[CAG>C]GGGGTTCTAGAATAAAGAGAACAGAACACTCAGATTTGATCCATAATGCAGATTACAATT-3'